The following is an entry in ClinVar:

ClinVar aggregate classification (germline): Uncertain significance (1 of 4 stars; one submission).

Conditions:
Hereditary spastic paraplegia 7 (SPG7). Also called: SPASTIC PARAPLEGIA 7, AUTOSOMAL RECESSIVE, WITH OR WITHOUT CEREBELLAR ATAXIA; SPG7-related neurologic disorder; Spastic paraplegia 7; Hereditary spastic paraplegia Paraplegin type; Autosomal recessive spastic paraplegia type 7. Identifiers: Orphanet 99013, MedGen C1846564, MONDO:0011803, OMIM 607259.

gnomAD v4.1: 1 of 1,614,010 alleles (0.000062%); highest among the groups gnomAD compares: Non-Finnish European, 0.000085%; no homozygotes.

Submission:

Labcorp Genetics (formerly Invitae), Labcorp
Classification: Uncertain significance for Hereditary spastic paraplegia 7. Last evaluated: 2025-10-22. Review status: criteria provided, single submitter. Criteria: Invitae Variant Classification Sherloc (09022015). Collection method: clinical testing. Allele origin: germline.
Comment: This sequence change falls in intron 7 of the SPG7 gene. It does not directly change the encoded amino acid sequence of the SPG7 protein. This variant is not present in population databases (gnomAD no frequency). This variant has not been reported in the literature in individuals affected with SPG7-related conditions. Algorithms developed to predict the effect of sequence changes on RNA splicing suggest that this variant may disrupt the consensus splice site. In summary, the available evidence is currently insufficient to determine the role of this variant in disease. Therefore, it has been classified as a Variant of Uncertain Significance.

NM_003119.4(SPG7):c.988-15T>C

Gene: SPG7 (SPG7 matrix AAA peptidase subunit, paraplegin; plus strand). Cytogenetic location: 16q24.3.
Variant type: single nucleotide variant.
Coding change: c.988-15T>C on transcript NM_003119.4 (MANE Select); 15 bases into the intron before coding-DNA position 988, T replaced by C.
Molecular consequence: intron variant.
Genome position (GRCh38, 1-based): chr16:89,531,889, T>C. VCF-style: chr16-89531889-T-C. GRCh37 (hg19) VCF-style: chr16-89598297-T-C.
Other names: c.988-15T>C (NM_001363850.1, NM_199367.3).
Identifiers: ClinVar variation 4780230 (VCV004780230.1).
Genomic context (GRCh38, chr16:89,531,889, plus strand): 5'-GAGAGACCTTACCTCTAAAAAACAAAAAAACGGAATCCCCAAGTAGTTAGTGTTGCATTG[T>C]CTGCTGCCGTCCAGAGCCCAGAACGCTTCCTCCAGCTTGGCGCCAAGGTCCCAAAGGGCG-3'